The following is an entry in ClinVar:

ClinVar aggregate classification (germline): Uncertain significance (1 of 4 stars; one submission).

Conditions:
Early-infantile DEE. Also called: Early infantile epileptic encephalopathy; Ohtahara syndrome; Early infantile epileptic encephalopathy with suppression bursts. Identifiers: Orphanet 1934, MedGen C0393706, MONDO:0800491.

Submission:

Labcorp Genetics (formerly Invitae), Labcorp
Classification: Uncertain significance for Early-infantile DEE. Last evaluated: 2024-06-25. Review status: criteria provided, single submitter. Criteria: Invitae Variant Classification Sherloc (09022015). Collection method: clinical testing. Allele origin: germline.
Comment: This sequence change replaces glutamic acid, which is acidic and polar, with glycine, which is neutral and non-polar, at codon 1601 of the SPTAN1 protein (p.Glu1601Gly). This variant is not present in population databases (gnomAD no frequency). This variant has not been reported in the literature in individuals affected with SPTAN1-related conditions. Advanced modeling of protein sequence and biophysical properties (such as structural, functional, and spatial information, amino acid conservation, physicochemical variation, residue mobility, and thermodynamic stability) has been performed at Invitae for this missense variant, however the output from this modeling did not meet the statistical confidence thresholds required to predict the impact of this variant on SPTAN1 protein function. In summary, the available evidence is currently insufficient to determine the role of this variant in disease. Therefore, it has been classified as a Variant of Uncertain Significance.

NM_001130438.3(SPTAN1):c.4802A>G (p.Glu1601Gly)

Gene: SPTAN1 (spectrin alpha, non-erythrocytic 1; plus strand). Cytogenetic location: 9q34.11.
Variant type: single nucleotide variant.
Coding change: c.4802A>G on transcript NM_001130438.3 (MANE Select); coding-DNA position 4802, A replaced by G.
Protein change: p.Glu1601Gly; replaces glutamic acid 1601 with glycine.
Molecular consequence: missense variant.
Genome position (GRCh38, 1-based): chr9:128,611,742, A>G. VCF-style: chr9-128611742-A-G. GRCh37 (hg19) VCF-style: chr9-131374021-A-G.
Other names: c.4787A>G, p.Glu1596Gly (NM_003127.4); c.4727A>G, p.Glu1576Gly (NM_001195532.2); c.4802A>G, p.Glu1601Gly (NM_001363759.2, NM_001375310.1, NM_001375311.2 and 1 more transcripts); c.4742A>G, p.Glu1581Gly (NM_001363765.2, NM_001375314.2); c.4838A>G, p.Glu1613Gly (NM_001375312.2, NM_001375318.1); short protein forms E1576G, E1581G, E1601G, E1613G, E1596G.
Identifiers: ClinVar variation 3635917 (VCV003635917.2).